The following is an entry in ClinVar:

ClinVar aggregate classification (germline): Uncertain significance (1 of 4 stars; one submission).

gnomAD v4.1: 4 of 1,611,030 alleles (0.00025%); highest among the groups gnomAD compares: East Asian, 0.0022%; no homozygotes.

Submission:

Labcorp Genetics (formerly Invitae), Labcorp
Classification: Uncertain significance. Last evaluated: 2023-06-19. Review status: criteria provided, single submitter. Criteria: Invitae Variant Classification Sherloc (09022015). Collection method: clinical testing. Allele origin: germline.
Comment: This sequence change affects codon 77 of the SRP72 mRNA. It is a 'silent' change, meaning that it does not change the encoded amino acid sequence of the SRP72 protein. It affects a nucleotide within the consensus splice site. This variant is not present in population databases (gnomAD no frequency). This variant has not been reported in the literature in individuals affected with SRP72-related conditions. ClinVar contains an entry for this variant (Variation ID: 1402854). Variants that disrupt the consensus splice site are a relatively common cause of aberrant splicing (PMID: 17576681, 9536098). Algorithms developed to predict the effect of sequence changes on RNA splicing suggest that this variant may disrupt the consensus splice site. In summary, the available evidence is currently insufficient to determine the role of this variant in disease. Therefore, it has been classified as a Variant of Uncertain Significance.

Literature cited by the submitters: PubMed 17576681; PubMed 9536098.

NM_006947.4(SRP72):c.231T>C (p.Asn77=)

Gene: SRP72 (signal recognition particle 72; plus strand). Cytogenetic location: 4q12.
Variant type: single nucleotide variant.
Coding change: c.231T>C on transcript NM_006947.4 (MANE Select); coding-DNA position 231, T replaced by C.
Protein change: p.Asn77=; no amino-acid change (asparagine 77 retained).
Molecular consequence: synonymous variant. On other transcripts: non-coding transcript variant (1).
Genome position (GRCh38, 1-based): chr4:56,471,720, T>C. VCF-style: chr4-56471720-T-C. GRCh37 (hg19) VCF-style: chr4-57337886-T-C.
Other names: c.231T>C, p.Asn77= (NM_001267722.2).
Identifiers: ClinVar variation 1402854 (VCV001402854.8), dbSNP rs1249063701, ClinGen allele CA439501861.
Genomic context (GRCh38, chr4:56,471,720, plus strand): 5'-ATAATGGGTGCATTGCATTGTTAGATAATAATCAGATACTGTTTTTTTTTCCTTCTTCAG[T>C]AACTCTCTCTCCTTTGAAAAGGCATATTGCGAGTACAGGCTGAACAGAATTGAGAATGCC-3'
Protein context (NP_008878.3, residues 67-87): VINTHTKVLA[Asn77=]NSLSFEKAYC